The following is an entry in ClinVar:

NM_000264.5(PTCH1):c.202-337G>A

Gene: PTCH1 (patched 1; minus strand). Cytogenetic location: 9q22.32.
Variant type: single nucleotide variant.
Coding change: c.202-337G>A on transcript NM_000264.5 (MANE Select); 337 bases into the intron before coding-DNA position 202, G replaced by A.
Molecular consequence: intron variant. On other transcripts: splice donor variant (1).
Genome position (GRCh38, 1-based): chr9:95,506,936, C>T on the plus strand (G>A on the coding strand, the complement: PTCH1 is on the minus strand). VCF-style: chr9-95506936-C-T. GRCh37 (hg19) VCF-style: chr9-98269218-C-T.
Other names: c.199-337G>A (NM_001083603.3); c.4-337G>A (NM_001083602.3, NM_001354919.2); c.202-337G>A (NM_001354918.2); c.-252-337G>A (NM_001083605.3, NM_001083604.3); c.-253+293G>A (NM_001083606.3); c.-253+1G>A (NM_001083607.3).
Identifiers: ClinVar variation 3600574 (VCV003600574.1).
Genomic context (GRCh38, chr9:95,506,936, plus strand): 5'-AATACAGAAGAGGAAGCCGAGGTAGAGAGGAGAGAAACCACTCGACACAGACAATATTCA[C>T]CCCAGAGCTGAGAAGGGAGGGGCTGCGTAATCCCAGCGATGGAGCCCAAGGTTCAGGAGC-3'

ClinVar aggregate classification (germline): Uncertain significance (1 of 4 stars; one submission).

gnomAD v4.1: 2 of 1,045,476 alleles (0.00019%); highest among the groups gnomAD compares: African/African-American, 0.0017%; no homozygotes.

Submission:

GeneDx
Classification: Uncertain significance. Last evaluated: 2024-07-26. Review status: criteria provided, single submitter. Criteria: GeneDx Variant Classification Process June 2021. Collection method: clinical testing. Allele origin: germline. Affected: yes.
Comment: In silico analysis indicates that this variant does not alter splicing; Has not been previously published as pathogenic or benign to our knowledge; Reported using an alternate transcript of the gene